The following is an entry in ClinVar:

NM_000077.5(CDKN2A):c.418A>C (p.Ser140Arg)

Gene: CDKN2A (cyclin dependent kinase inhibitor 2A; minus strand). Cytogenetic location: 9p21.3.
Variant type: single nucleotide variant.
Coding change: c.418A>C on transcript NM_000077.5; coding-DNA position 418, A replaced by C.
Protein change: p.Ser140Arg; replaces serine 140 with arginine.
Molecular consequence: missense variant (on NM_000077.6). On other transcripts: 3 prime UTR variant (2).
Genome position (GRCh38, 1-based): chr9:21,970,941, T>G on the plus strand (A>C on the coding strand, the complement: CDKN2A is on the minus strand). VCF-style: chr9-21970941-T-G. GRCh37 (hg19) VCF-style: chr9-21970940-T-G.
Other names: c.418A>C, p.Ser140Arg (NM_000077.6, NM_001195132.2); c.265A>C, p.Ser89Arg (NM_001363763.2); c.*62A>C (NM_058195.4); c.*341A>C (NM_058197.5); short protein forms S140R, S89R.
Identifiers: ClinVar variation 824656 (VCV000824656.17), dbSNP rs1587330504, ClinGen allele CA373085883.
Genomic context (GRCh38, chr9:21,970,941, plus strand): 5'-TCTCAGATCATCAGTCCTCACCTGAGGGACCTTCCGCGGCATCTATGCGGGCATGGTTAC[T>G]GCCTCTGGTGCCCCCCGCAGCCGCGCGCAGGTACCGTGCGACATCGCGATGGCCCAGCTC-3'
Protein context (NP_000068.1, residues 130-150): LRAAAGGTRG[Ser140Arg]NHARIDAAEG

ClinVar aggregate classification (germline): Conflicting classifications of pathogenicity. Review status: criteria provided, conflicting classifications (1 of 4 stars). 4 submissions from 4 submitters: Uncertain significance (3); Likely benign (1). Last evaluated 2025-09-09.

Conditions:
Hereditary cancer-predisposing syndrome. Also called: Neoplastic Syndromes, Hereditary; Tumor predisposition; Hereditary Cancer Syndrome; Hereditary neoplastic syndrome. Identifiers: Orphanet 140162, MedGen C0027672, MeSH D009386, MONDO:0015356.
Familial melanoma. Also called: Hereditary melanoma; Hereditary cutaneous melanoma. Identifiers: Orphanet 618, MedGen C1512419, MONDO:0018961.

Submissions (4):

Color Diagnostics, LLC DBA Color Health
Classification: Uncertain significance for Hereditary cancer-predisposing syndrome. Last evaluated: 2025-09-09. Review status: criteria provided, single submitter. Criteria: ACMG Guidelines, 2015. Collection method: clinical testing. Allele origin: germline.
Comment: The CDKN2A locus encodes two different gene products, p16INK4a and p14ARF. This missense variant replaces serine with arginine at codon 140 of the CDKN2A (p16INK4A) protein. Computational prediction suggests that this variant may not impact protein structure and function. To our knowledge, functional studies have not been reported for this variant. This variant has not been reported in individuals affected with CDKN2A-related disorders in the literature. This variant has not been identified in the general population by the Genome Aggregation Database (gnomAD). The available evidence is insufficient to determine the role of this variant in disease conclusively. Therefore, this variant is classified as a Variant of Uncertain Significance.

Ambry Genetics
Classification: Likely benign for Hereditary cancer-predisposing syndrome. Last evaluated: 2025-05-14. Review status: criteria provided, single submitter. Criteria: Ambry Variant Classification Scheme 2023. Collection method: clinical testing. Allele origin: germline.

Labcorp Genetics (formerly Invitae), Labcorp
Classification: Uncertain significance for Familial melanoma. Last evaluated: 2025-04-17. Review status: criteria provided, single submitter. Criteria: Invitae Variant Classification Sherloc (09022015). Collection method: clinical testing. Allele origin: germline.
Comment: This sequence change replaces serine, which is neutral and polar, with arginine, which is basic and polar, at codon 140 of the CDKN2A (p16INK4a) protein (p.Ser140Arg). This variant is not present in population databases (gnomAD no frequency). This variant has not been reported in the literature in individuals affected with CDKN2A (p16INK4a)-related conditions. ClinVar contains an entry for this variant (Variation ID: 824656). An algorithm developed to predict the effect of missense changes on protein structure and function outputs the following: PolyPhen-2: "Benign". The arginine amino acid residue is found in multiple mammalian species, which suggests that this missense change does not adversely affect protein function. Experimental studies are conflicting or provide insufficient evidence to determine the effect of this variant on CDKN2A (p16INK4a) function (PMID: 8573142). In summary, the available evidence is currently insufficient to determine the role of this variant in disease. Therefore, it has been classified as a Variant of Uncertain Significance.

GeneDx
Classification: Uncertain significance. Last evaluated: 2022-11-04. Review status: criteria provided, single submitter. Criteria: GeneDx Variant Classification Process June 2021. Collection method: clinical testing. Allele origin: germline. Affected: yes.
Comment: Not observed at significant frequency in large population cohorts (gnomAD); In silico analysis supports that this missense variant does not alter protein structure/function; Has not been previously published as pathogenic or benign to our knowledge

Literature cited by the submitters: PubMed 8573142 (cited by Labcorp Genetics (formerly Invitae), Labcorp).